The following is an entry in ClinVar:

ClinVar aggregate classification (germline): Pathogenic/Likely pathogenic. Review status: criteria provided, multiple submitters, no conflicts (2 of 4 stars). 4 submissions from 4 submitters: Pathogenic (2); Likely pathogenic (2). Last evaluated 2024-07-19.

Conditions:
Autosomal recessive limb-girdle muscular dystrophy type 2O. Also called: Limb-Girdle Muscular Dystrophy Type 3C; MUSCULAR DYSTROPHY-DYSTROGLYCANOPATHY, LIMB-GIRDLE, POMGNT1-RELATED; MUSCULAR DYSTROPHY-DYSTROGLYCANOPATHY (LIMB-GIRDLE), TYPE C, 3. Identifiers: Orphanet 206564, MedGen C3150417, MONDO:0013161, OMIM 613157.
Muscular dystrophy-dystroglycanopathy (congenital with brain and eye anomalies), type A3. Also called: Congenital muscular dystrophy-dystroglycanopathy with brain and eye anomalies, type A3; Muscular dystrophy-dystroglycanopathy (congenital with brain and eye anomalies), type A, 3; WALKER-WARBURG SYNDROME OR MUSCLE-EYE-BRAIN DISEASE, POMGNT1-RELATED. Identifiers: MedGen C3151519, MONDO:0009667, OMIM 253280.
Muscular dystrophy-dystroglycanopathy (congenital with impaired intellectual development), type B, 3. Also called: Muscular dystrophy-dystroglycanopathy (congenital with intellectual disability), type B3; MUSCULAR DYSTROPHY, CONGENITAL, POMGNT1-RELATED. Identifiers: MedGen C3150412, MONDO:0013155, OMIM 613151.
Retinitis pigmentosa 76 (RP76). Identifiers: MedGen C4310704, MONDO:0014929, OMIM 617123.

Allele frequency attached by ClinVar (database versions not stated): gnomAD 0.00001; gnomAD exomes below 0.00001; TOPMed below 0.00001.
gnomAD v4.1: 4 of 1,614,058 alleles (0.00025%); highest among the groups gnomAD compares: Non-Finnish European, 0.00034%; no homozygotes.

Submissions (4):

GeneDx
Classification: Pathogenic. Last evaluated: 2024-07-19. Review status: criteria provided, single submitter. Criteria: GeneDx Variant Classification Process June 2021. Collection method: clinical testing. Allele origin: germline. Affected: yes.
Comment: Canonical splice site variant predicted to result in an in-frame loss of the adjacent exon in a gene for which loss of function is a known mechanism of disease; Not observed at significant frequency in large population cohorts (gnomAD); Deletions involving coding exons of this gene are a known mechanism of disease (HGMD; other references); This variant is associated with the following publications: (PMID: 31964843, 38137617)

Fulgent Genetics
Classification: Likely pathogenic for Muscular dystrophy-dystroglycanopathy (congenital with brain and eye anomalies), type A3; Muscular dystrophy-dystroglycanopathy (congenital with impaired intellectual development), type B, 3; Autosomal recessive limb-girdle muscular dystrophy type 2O; Retinitis pigmentosa 76. Last evaluated: 2024-04-16. Review status: criteria provided, single submitter. Criteria: ACMG Guidelines, 2015. Collection method: clinical testing. Allele origin: germline.

Labcorp Genetics (formerly Invitae), Labcorp
Classification: Pathogenic for Autosomal recessive limb-girdle muscular dystrophy type 2O; Muscular dystrophy-dystroglycanopathy (congenital with impaired intellectual development), type B, 3. Last evaluated: 2024-01-04. Review status: criteria provided, single submitter. Criteria: Invitae Variant Classification Sherloc (09022015). Collection method: clinical testing. Allele origin: germline.
Comment: This sequence change affects a donor splice site in intron 8 of the POMGNT1 gene. It is expected to disrupt RNA splicing. Variants that disrupt the donor or acceptor splice site typically lead to a loss of protein function (PMID: 16199547), and loss-of-function variants in POMGNT1 are known to be pathogenic (PMID: 19299310, 20816175, 21447391, 26908613, 27391550). This variant is present in population databases (no rsID available, gnomAD 0.002%). Disruption of this splice site has been observed in individual(s) with clinical features of retinitis pigmentosa (Invitae). It has also been observed to segregate with disease in related individuals. ClinVar contains an entry for this variant (Variation ID: 632108). Algorithms developed to predict the effect of sequence changes on RNA splicing suggest that this variant may disrupt the consensus splice site. For these reasons, this variant has been classified as Pathogenic.

Baylor Genetics
Classification: Likely pathogenic for Muscular dystrophy-dystroglycanopathy (congenital with brain and eye anomalies), type A3. Last evaluated: 2023-09-07. Review status: criteria provided, single submitter. Criteria: ACMG Guidelines, 2015. Collection method: clinical testing. Allele origin: unknown.

Literature cited by the submitters: PubMed 16199547 (cited by Labcorp Genetics (formerly Invitae), Labcorp); PubMed 19299310 (cited by Labcorp Genetics (formerly Invitae), Labcorp); PubMed 20816175 (cited by Labcorp Genetics (formerly Invitae), Labcorp); PubMed 21447391 (cited by Labcorp Genetics (formerly Invitae), Labcorp); PubMed 26908613 (cited by Labcorp Genetics (formerly Invitae), Labcorp); PubMed 27391550 (cited by Labcorp Genetics (formerly Invitae), Labcorp).

NM_017739.4(POMGNT1):c.751+1G>A

Genes: POMGNT1 (protein O-linked mannose N-acetylglucosaminyltransferase 1 (beta 1,2-); minus strand), TSPAN1 (tetraspanin 1; plus strand). Cytogenetic location: 1p34.1.
Variant type: single nucleotide variant.
Coding change: c.751+1G>A on transcript NM_017739.4 (MANE Select); the canonical splice donor site of the intron after coding-DNA position 751, G replaced by A.
Molecular consequence: splice donor variant.
Genome position (GRCh38, 1-based): chr1:46,194,552, C>T on the plus strand (G>A on the coding strand, the complement: POMGNT1 is on the minus strand). VCF-style: chr1-46194552-C-T. GRCh37 (hg19) VCF-style: chr1-46660224-C-T.
Other names: c.751+1G>A (NM_001243766.2, NM_001438686.1, NM_001438688.1 and 3 more transcripts); c.685+1G>A (NM_001290129.3, NM_001438691.1, NM_001438692.1); c.322+1G>A (NM_001290130.2).
Identifiers: ClinVar variation 632108 (VCV000632108.11), dbSNP rs1247668825, ClinGen allele CA340183667.